The following is an entry in ClinVar:

ClinVar aggregate classification (germline): Uncertain significance (1 of 4 stars; one submission).

Conditions:
Intellectual disability, autosomal recessive 53 (NEDHSCA). Also called: NEURODEVELOPMENTAL DISORDER WITH OR WITHOUT HYPOTONIA, SEIZURES, AND CEREBELLAR ATROPHY; GLYCOSYLPHOSPHATIDYLINOSITOL BIOSYNTHESIS DEFECT 13; Mental retardation, autosomal recessive 53. Identifiers: Orphanet 488635, MedGen C4310794, MONDO:0014832, OMIM 616917.

gnomAD v4.1: 1 of 1,614,088 alleles (0.000062%); highest among the groups gnomAD compares: African/African-American, 0.0013%; no homozygotes.

Submission:

Labcorp Genetics (formerly Invitae), Labcorp
Classification: Uncertain significance for Intellectual disability, autosomal recessive 53. Last evaluated: 2022-05-03. Review status: criteria provided, single submitter. Criteria: Invitae Variant Classification Sherloc (09022015). Collection method: clinical testing. Allele origin: germline.
Comment: In summary, the available evidence is currently insufficient to determine the role of this variant in disease. Therefore, it has been classified as a Variant of Uncertain Significance. Algorithms developed to predict the effect of missense changes on protein structure and function are either unavailable or do not agree on the potential impact of this missense change (SIFT: "Tolerated"; PolyPhen-2: "Possibly Damaging"; Align-GVGD: "Class C0"). This variant has not been reported in the literature in individuals affected with PIGG-related conditions. This variant is not present in population databases (gnomAD no frequency). This sequence change replaces phenylalanine, which is neutral and non-polar, with leucine, which is neutral and non-polar, at codon 872 of the PIGG protein (p.Phe872Leu).

NM_001127178.3(PIGG):c.2616C>A (p.Phe872Leu)

Gene: PIGG (phosphatidylinositol glycan anchor biosynthesis class G (EMM blood group); plus strand). Cytogenetic location: 4p16.3.
Variant type: single nucleotide variant.
Coding change: c.2616C>A on transcript NM_001127178.3 (MANE Select); coding-DNA position 2616, C replaced by A.
Protein change: p.Phe872Leu; replaces phenylalanine 872 with leucine.
Molecular consequence: missense variant. On other transcripts: non-coding transcript variant (10).
Genome position (GRCh38, 1-based): chr4:533,862, C>A. VCF-style: chr4-533862-C-A. GRCh37 (hg19) VCF-style: chr4-527651-C-A.
Other names: c.2349C>A, p.Phe783Leu (NM_001289051.2, NM_001345986.2); c.2217C>A, p.Phe739Leu (NM_001289052.2); c.2325C>A, p.Phe775Leu (NM_001345987.2); c.1587C>A, p.Phe529Leu (NM_001345988.2); c.1083C>A, p.Phe361Leu (NM_001345990.2, NM_001345991.2); c.1518C>A, p.Phe506Leu (NM_001345994.2); c.2592C>A, p.Phe864Leu (NM_017733.5); short protein forms F506L, F361L, F529L, F872L, F739L, F775L, F783L, F864L.
Identifiers: ClinVar variation 1944456 (VCV001944456.5), dbSNP rs764023905, ClinGen allele CA355911025.